The following is an entry in ClinVar:

ClinVar aggregate classification (germline): Uncertain significance. Review status: criteria provided, multiple submitters, no conflicts (2 of 4 stars). 3 submissions from 3 submitters: Uncertain significance (3). Last evaluated 2025-03-21.

Conditions:
Spinocerebellar ataxia type 14 (SCA14). Identifiers: Orphanet 98763, MedGen C1854369, MONDO:0011540, OMIM 605361.

Allele frequency attached by ClinVar (database versions not stated): gnomAD exomes below 0.00001.

Submissions (3):

GeneDx
Classification: Uncertain significance. Last evaluated: 2025-03-21. Review status: criteria provided, single submitter. Criteria: GeneDx Variant Classification Process June 2021. Collection method: clinical testing. Allele origin: germline. Affected: yes.
Comment: Not observed at significant frequency in large population cohorts (gnomAD); In silico analysis supports that this missense variant has a deleterious effect on protein structure/function; Has not been previously published as pathogenic or benign to our knowledge; This variant is associated with the following publications: (PMID: 37344815)

Athena Diagnostics
Classification: Uncertain significance. Last evaluated: 2023-12-22. Review status: criteria provided, single submitter. Criteria: Athena Diagnostics Criteria. Collection method: clinical testing. Allele origin: unknown.
Comment: Available data are insufficient to determine the clinical significance of the variant at this time. This variant has been identified in at least one individual with clinical features associated with this gene. This variant has not been reported in large, multi-ethnic general populations. Computational tools predict that this variant is damaging.

Victorian Clinical Genetics Services, Murdoch Childrens Research Institute
Classification: Uncertain significance for Spinocerebellar ataxia type 14. Last evaluated: 2022-06-24. Review status: criteria provided, single submitter. Criteria: ACMG Guidelines, 2015. Collection method: clinical testing. Allele origin: germline. Inheritance: Autosomal dominant inheritance.
Comment: Based on the classification scheme VCGS_Germline_v1.3.4, this variant is classified as VUS-3A. Following criteria are met: 0101 - Toxic gain of function is a known mechanism of disease in this gene and is associated with Spinocerebellar ataxia 14 (MIM#605361) (PMID: 25217572). (I) 0102 - The condition associated with this gene has incomplete penetrance. The mean age of onset is 30 years (OMIM); however clinically unaffected individuals over 60 years old have been described (GeneReviews). (I) 0107 - This gene is associated with autosomal dominant disease. (I) 0200 - Variant is predicted to result in a missense amino acid change from glycine to arginine. (I) 0251 - This variant is heterozygous. (I) 0301 - Variant is absent from gnomAD (both v2 and v3). (SP) 0501 - Missense variant consistently predicted to be damaging by multiple in silico tools or highly conserved with a major amino acid change. (SP) 0603 - Missense variant in a region that is highly intolerant to missense variation (high constraint region in DECIPHER). (SP) 0710 - Another missense variant comparable to the one identified in this case has inconclusive previous evidence for pathogenicity. p.(Gly159Glu) has been regarded a VUS in ClinVar. (I) 0809 - Previous evidence of pathogenicity for this variant is inconclusive. It has been reported as a VUS in ClinVar. (I) 0905 - No published segregation evidence has been identified for this variant. (I) 1007 - No published functional evidence has been identified for this variant. (I) 1208 - Inheritance information for this variant is not currently available in this individual. (I) Legend: (SP) - Supporting pathogenic, (I) - Information, (SB) - Supporting benign

Literature cited by the submitters: PubMed 33310205 (cited by Athena Diagnostics); PubMed 18577575 (cited by Victorian Clinical Genetics Services, Murdoch Childrens Research Institute); PubMed 25217572 (cited by Victorian Clinical Genetics Services, Murdoch Childrens Research Institute).

NM_002739.5(PRKCG):c.475G>A (p.Gly159Arg)

Gene: PRKCG (protein kinase C gamma; plus strand). Cytogenetic location: 19q13.42.
Variant type: single nucleotide variant.
Coding change: c.475G>A on transcript NM_002739.5 (MANE Select); coding-DNA position 475, G replaced by A.
Protein change: p.Gly159Arg; replaces glycine 159 with arginine.
Molecular consequence: missense variant.
Genome position (GRCh38, 1-based): chr19:53,889,963, G>A. VCF-style: chr19-53889963-G-A. GRCh37 (hg19) VCF-style: chr19-54393217-G-A.
Other names: c.475G>A (LRG_669t1); c.475G>A, p.Gly159Arg (NM_001316329.2); short protein forms G159R.
Identifiers: ClinVar variation 426509 (VCV000426509.10), dbSNP rs866406014, ClinGen allele CA407414503.